The following is an entry in ClinVar:

NM_206933.4(USH2A):c.14257G>A (p.Val4753Ile)

Gene: USH2A (usherin; minus strand). Cytogenetic location: 1q41.
Variant type: single nucleotide variant.
Coding change: c.14257G>A on transcript NM_206933.4 (MANE Select); coding-DNA position 14257, G replaced by A.
Protein change: p.Val4753Ile; replaces valine 4753 with isoleucine.
Molecular consequence: missense variant.
Genome position (GRCh38, 1-based): chr1:215,650,678, C>T on the plus strand (G>A on the coding strand, the complement: USH2A is on the minus strand). VCF-style: chr1-215650678-C-T. GRCh37 (hg19) VCF-style: chr1-215824020-C-T.
Other names: short protein forms V4753I.
Identifiers: ClinVar variation 1376310 (VCV001376310.6), dbSNP rs2102644873, ClinGen allele CA344835386.

ClinVar aggregate classification (germline): Uncertain significance (1 of 4 stars; one submission).

Submission:

Labcorp Genetics (formerly Invitae), Labcorp
Classification: Uncertain significance. Last evaluated: 2021-10-15. Review status: criteria provided, single submitter. Criteria: Invitae Variant Classification Sherloc (09022015). Collection method: clinical testing. Allele origin: germline.
Comment: In summary, the available evidence is currently insufficient to determine the role of this variant in disease. Therefore, it has been classified as a Variant of Uncertain Significance. Algorithms developed to predict the effect of missense changes on protein structure and function are either unavailable or do not agree on the potential impact of this missense change (SIFT: "Deleterious"; PolyPhen-2: "Benign"; Align-GVGD: "Class C0"). This variant has not been reported in the literature in individuals affected with USH2A-related conditions. This variant is not present in population databases (ExAC no frequency). This sequence change replaces valine with isoleucine at codon 4753 of the USH2A protein (p.Val4753Ile). The valine residue is highly conserved and there is a small physicochemical difference between valine and isoleucine.